The following is an entry in ClinVar:

ClinVar aggregate classification (germline): Uncertain significance (1 of 4 stars; one submission).

Conditions:
Charcot-Marie-Tooth disease type 2R. Also called: CHARCOT-MARIE-TOOTH DISEASE, AXONAL, AUTOSOMAL RECESSIVE, TYPE 2R; Charcot-Marie-Tooth disease, axonal, type 2R; CHARCOT-MARIE-TOOTH NEUROPATHY, TYPE 2R. Identifiers: Orphanet 397968, MedGen C3809655, MONDO:0014208, OMIM 615490.

Submission:

Labcorp Genetics (formerly Invitae), Labcorp
Classification: Uncertain significance for Charcot-Marie-Tooth disease type 2R. Last evaluated: 2023-05-11. Review status: criteria provided, single submitter. Criteria: Invitae Variant Classification Sherloc (09022015). Collection method: clinical testing. Allele origin: germline.
Comment: This variant has not been reported in the literature in individuals affected with TRIM2-related conditions. Experimental studies and prediction algorithms are not available or were not evaluated, and the functional significance of this variant is currently unknown. In summary, the available evidence is currently insufficient to determine the role of this variant in disease. Therefore, it has been classified as a Variant of Uncertain Significance. This variant is not present in population databases (gnomAD no frequency). This sequence change creates a premature translational stop signal (p.Asn314Hisfs*36) in the TRIM2 gene. It is expected to result in an absent or disrupted protein product. However, the current clinical and genetic evidence is not sufficient to establish whether loss-of-function variants in TRIM2 cause disease.

NM_015271.5(TRIM2):c.1021_1040del (p.Asn341fs)

Gene: TRIM2 (tripartite motif containing 2; plus strand). Cytogenetic location: 4q31.3.
Variant type: Deletion.
Coding change: c.1021_1040del on transcript NM_015271.5 (MANE Select); coding-DNA positions 1021 to 1040, 20 bases deleted (AACCTCGGGACGATCTTAAC).
Protein change: p.Asn341fs; shifts the reading frame from asparagine 341.
Molecular consequence: frameshift variant.
Genome position (GRCh38, 1-based): chr4:153,295,547-153,295,566, AACCTCGGGACGATCTTAAC deleted; deleting any 20 consecutive bases within chr4:153,295,545-153,295,566 gives the same sequence; the c. name uses the placement nearest the transcript's 3' end. VCF-style (leftmost placement, unchanged base first): chr4-153295544-CACAACCTCGGGACGATCTTA-C. GRCh37 (hg19) VCF-style: chr4-154216696-CACAACCTCGGGACGATCTTA-C.
Other names: c.685_704del, p.Asn229fs (NM_001375520.1); c.682_701del, p.Asn228fs (NM_001375522.1, NM_001375523.1, NM_001375525.1); c.940_959del, p.Asn314fs (NM_001130067.2, NM_001351056.2, NM_001375512.1 and 5 more transcripts); c.994_1013del, p.Asn332fs (NM_001351054.2); c.991_1010del, p.Asn331fs (NM_001351055.2); c.565_584del, p.Asn189fs (NM_001351057.2); c.1114_1133del, p.Asn372fs (NM_001375488.1); c.1111_1130del, p.Asn371fs (NM_001375489.1); and 3 more; short protein forms N229fs, N321fs, N331fs, N341fs, N371fs, N372fs, N314fs, N332fs.
Identifiers: ClinVar variation 2863378 (VCV002863378.3), dbSNP rs2546527992, ClinGen allele CA2739270324.
Genomic context (GRCh38, chr4:153,295,544, plus strand): 5'-CCGCGGGAGAACGACCAGCTGGATTTCATCGTGGAAACCGAGGGGCTGAAGAAGTCCATC[CACAACCTCGGGACGATCTTA>C]ACCACCAACGCCGTTGCCTCAGAGACAGTGGCCACGGGCGAGGGGCTGCGGCAGACCATC-3'